The following is an entry in ClinVar:

NM_000214.3(JAG1):c.1920C>T (p.Asn640=)

Gene: JAG1 (jagged canonical Notch ligand 1; minus strand). Cytogenetic location: 20p12.2.
Variant type: single nucleotide variant.
Coding change: c.1920C>T on transcript NM_000214.3 (MANE Select); coding-DNA position 1920, C replaced by T.
Protein change: p.Asn640=; no amino-acid change (asparagine 640 retained).
Molecular consequence: synonymous variant.
Genome position (GRCh38, 1-based): chr20:10,646,050, G>A on the plus strand (C>T on the coding strand, the complement: JAG1 is on the minus strand). VCF-style: chr20-10646050-G-A. GRCh37 (hg19) VCF-style: chr20-10626698-G-A.
Other names: c.1920C>T, p.Asn640= (LRG_1191t1).
Identifiers: ClinVar variation 286794 (VCV000286794.21), dbSNP rs372121353, ClinGen allele CA9764702.
Genomic context (GRCh38, chr20:10,646,050, plus strand): 5'-CTCCCAGCCGTCACTACAGATGCACTTGTAGGAGTTGACACCATCGATGCAAGTGCCACC[G>A]TTTCTACAAGGGTTGCTCTCACAGTCATTAATATCTATGAAACAAAGTAAAGCAAAAAAA-3'
Protein context (NP_000205.1, residues 630-650): INDCESNPCR[Asn640=]GGTCIDGVNS

ClinVar aggregate classification (germline): Conflicting classifications of pathogenicity. Review status: criteria provided, conflicting classifications (1 of 4 stars). 5 submissions from 5 submitters: Uncertain significance (1); Benign (2); Likely benign (2). Last evaluated 2026-01-24.

Conditions:
Alagille syndrome due to a JAG1 point mutation. Also called: HEPATIC DUCTULAR HYPOPLASIA, SYNDROMATIC; JAG1-Related Alagille Syndrome; Alagille Syndrome 1. Identifiers: Orphanet 261619, Orphanet 52, MedGen C1956125, MONDO:0016862, OMIM 118450.
Cardiovascular phenotype. Identifiers: MedGen CN230736.
Isolated Nonsyndromic Congenital Heart Disease.

Allele frequency attached by ClinVar (database versions not stated): TOPMed 0.00007; ESP Exome Variant Server 0.00008; gnomAD exomes 0.00018 and 0.00037; ExAC 0.00032; gnomAD 0.00037 and 0.00040.
gnomAD v4.1: 323 of 1,613,464 alleles (0.02%); highest among the groups gnomAD compares: Middle Eastern, 0.099%; 3 homozygotes.

Submissions (5):

Labcorp Genetics (formerly Invitae), Labcorp
Classification: Benign for Alagille syndrome due to a JAG1 point mutation. Last evaluated: 2026-01-24. Review status: criteria provided, single submitter. Criteria: Invitae Variant Classification Sherloc (09022015). Collection method: clinical testing. Allele origin: germline.

Blueprint Genetics
Classification: Likely benign. Last evaluated: 2024-11-08. Review status: criteria provided, single submitter. Criteria: ACMG Guidelines, 2015. Collection method: clinical testing. Allele origin: germline.

Ambry Genetics
Classification: Likely benign for Cardiovascular phenotype. Last evaluated: 2022-08-07. Review status: criteria provided, single submitter. Criteria: Ambry Variant Classification Scheme 2023. Collection method: clinical testing. Allele origin: germline.

Illumina Laboratory Services, Illumina
Classification: Benign for Isolated Nonsyndromic Congenital Heart Disease. Last evaluated: 2018-01-12. Review status: criteria provided, single submitter. Criteria: ICSL Variant Classification Criteria 13 December 2019. Collection method: clinical testing. Allele origin: germline.
Comment: This variant was observed in the ICSL laboratory as part of a predisposition screen in an ostensibly healthy population. It had not been previously curated by ICSL or reported in the Human Gene Mutation Database (HGMD: prior to June 1st, 2018), and was therefore a candidate for classification through an automated scoring system. Utilizing variant allele frequency, disease prevalence and penetrance estimates, and inheritance mode, an automated score was calculated to assess if this variant is too frequent to cause the disease. Based on the score and internal cut-off values, a variant classified as benign is not then subjected to further curation. The score for this variant resulted in a classification of benign for this disease.

Eurofins Ntd Llc (ga)
Classification: Uncertain significance. Last evaluated: 2016-03-29. Review status: criteria provided, single submitter. Criteria: EGL Classification Definitions 2015. Collection method: clinical testing. Allele origin: germline. Observed: 1 variant allele, 1 heterozygote.